The following is an entry in ClinVar:

ClinVar aggregate classification (germline): Pathogenic (1 of 4 stars; one submission).

Conditions:
CHARGE syndrome (CHARGE). Also called: Hittner Hirsch Kreh syndrome; CHARGE ASSOCIATION--COLOBOMA, HEART ANOMALY, CHOANAL ATRESIA, RETARDATION, GENITAL AND EAR ANOMALIES; Coloboma, heart anomaly, choanal atresia, retardation, genital and ear anomalies; CHARGE association; Hall-Hittner syndrome. Identifiers: Orphanet 138, MedGen C0265354, MONDO:0008965.

Submission:

Labcorp Genetics (formerly Invitae), Labcorp
Classification: Pathogenic for CHARGE syndrome. Last evaluated: 2023-10-06. Review status: criteria provided, single submitter. Criteria: Invitae Variant Classification Sherloc (09022015). Collection method: clinical testing. Allele origin: germline.
Comment: This sequence change creates a premature translational stop signal (p.Leu2420Serfs*23) in the CHD7 gene. It is expected to result in an absent or disrupted protein product. Loss-of-function variants in CHD7 are known to be pathogenic (PMID: 22461308, 25077900). This variant is not present in population databases (gnomAD no frequency). This variant has not been reported in the literature in individuals affected with CHD7-related conditions. For these reasons, this variant has been classified as Pathogenic.

Literature cited by the submitters: PubMed 22461308; PubMed 25077900.

NM_017780.4(CHD7):c.7258del (p.Leu2420fs)

Gene: CHD7 (chromodomain helicase DNA binding protein 7; plus strand). Cytogenetic location: 8q12.2.
Variant type: Deletion.
Coding change: c.7258del on transcript NM_017780.4 (MANE Select); coding-DNA position 7258, one base deleted (C; older notation c.7258delC).
Protein change: p.Leu2420fs; shifts the reading frame from leucine 2420.
Molecular consequence: frameshift variant. On other transcripts: intron variant (1).
Genome position (GRCh38, 1-based): chr8:60,856,538, C deleted. VCF-style (leftmost placement, unchanged base first): chr8-60856537-TC-T. GRCh37 (hg19) VCF-style: chr8-61769096-TC-T.
Other names: c.1717-5691del (NM_001316690.1); short protein forms L2420fs.
Identifiers: ClinVar variation 2766471 (VCV002766471.3), dbSNP rs2488073356, ClinGen allele CA2697549950.
Genomic context (GRCh38, chr8:60,856,537, plus strand): 5'-GCGGAGGAGGAGGAGGAGAAAAATCGAAATTGAGGCCGAAAGAGCTGCCAAGAGGCGAAA[TC>T]TCATGGAGATGGTTGCCCAGCTTCGAGAGTCTCAGGTGGTCTCAGAAAATGGACAAGAAA-3'